The following is an entry in ClinVar:

ClinVar aggregate classification (germline): Uncertain significance (1 of 4 stars; one submission).

Conditions:
Primary hyperoxaluria, type I (HP1). Also called: OXALOSIS I; Primary hyperoxaluria type 1; GLYCOLIC ACIDURIA; HEPATIC AGT DEFICIENCY. Identifiers: Orphanet 416, Orphanet 93598, MedGen C0268164, MONDO:0009823, OMIM 259900. Disease mechanism: loss of function.

Submission:

Clinical Biochemistry Laboratory, Health Services Laboratory
Classification: Uncertain significance for Primary hyperoxaluria, type I. Last evaluated: 2023-10-27. Review status: criteria provided, single submitter. Criteria: ACMG Guidelines, 2015. Collection method: curation. Allele origin: germline. Affected: yes.
Comment: ACMG:PM2 PP4

Literature cited by the submitters: PubMed 27915025.

NM_000030.3(AGXT):c.52C>T (p.Leu18Phe)

Gene: AGXT (alanine--glyoxylate aminotransferase; plus strand). Cytogenetic location: 2q37.3.
Variant type: single nucleotide variant.
Coding change: c.52C>T on transcript NM_000030.3 (MANE Select); coding-DNA position 52, C replaced by T.
Protein change: p.Leu18Phe; replaces leucine 18 with phenylalanine.
Molecular consequence: missense variant.
Genome position (GRCh38, 1-based): chr2:240,868,917, C>T. VCF-style: chr2-240868917-C-T. GRCh37 (hg19) VCF-style: chr2-241808334-C-T.
Other names: short protein forms L18F.
Identifiers: ClinVar variation 2681183 (VCV002681183.1), dbSNP rs2528739011, ClinGen allele CA351312842.